The following is an entry in ClinVar:

NM_173551.5(ANKS6):c.645G>A (p.Ala215=)

Gene: ANKS6 (ankyrin repeat and sterile alpha motif domain containing 6; minus strand). Cytogenetic location: 9q22.33.
Variant type: single nucleotide variant.
Coding change: c.645G>A on transcript NM_173551.5 (MANE Select); coding-DNA position 645, G replaced by A.
Protein change: p.Ala215=; no amino-acid change (alanine 215 retained).
Molecular consequence: synonymous variant.
Genome position (GRCh38, 1-based): chr9:98,790,321, C>T on the plus strand (G>A on the coding strand, the complement: ANKS6 is on the minus strand). VCF-style: chr9-98790321-C-T. GRCh37 (hg19) VCF-style: chr9-101552603-C-T.
Other names: p.Ala215=.
Identifiers: ClinVar variation 4683408 (VCV004683408.1).

ClinVar aggregate classification (germline): Likely benign (1 of 4 stars; one submission).

gnomAD v4.1: 79 of 1,609,052 alleles (0.0049%); highest among the groups gnomAD compares: South Asian, 0.049%; 1 homozygote.

Submission:

Mayo Clinic Laboratories, Mayo Clinic
Classification: Likely benign. Last evaluated: 2025-10-12. Review status: criteria provided, single submitter. Criteria: ACMG Guidelines, 2015. Collection method: clinical testing. Allele origin: germline. Observed: 1 variant allele.
Comment: BP4, BP7